The following is an entry in ClinVar:

ClinVar aggregate classification (germline): Uncertain significance (1 of 4 stars; one submission).

gnomAD v4.1: 2 of 1,610,420 alleles (0.00012%); highest among the groups gnomAD compares: Non-Finnish European, 0.00017%; no homozygotes.

Submission:

GeneDx
Classification: Uncertain significance. Last evaluated: 2023-12-05. Review status: criteria provided, single submitter. Criteria: GeneDx Variant Classification Process June 2021. Collection method: clinical testing. Allele origin: germline. Affected: yes.
Comment: Not observed at significant frequency in large population cohorts (gnomAD); In silico analysis supports that this missense variant has a deleterious effect on protein structure/function; Has not been previously published as pathogenic or benign to our knowledge

NM_015340.4(LARS2):c.767T>C (p.Leu256Ser)

Gene: LARS2 (leucyl-tRNA synthetase 2, mitochondrial; plus strand). Cytogenetic location: 3p21.31.
Variant type: single nucleotide variant.
Coding change: c.767T>C on transcript NM_015340.4 (MANE Select); coding-DNA position 767, T replaced by C.
Protein change: p.Leu256Ser; replaces leucine 256 with serine.
Molecular consequence: missense variant.
Genome position (GRCh38, 1-based): chr3:45,474,259, T>C. VCF-style: chr3-45474259-T-C. GRCh37 (hg19) VCF-style: chr3-45515751-T-C.
Other names: c.767T>C, p.Leu256Ser (NM_001368263.1); short protein forms L256S.
Identifiers: ClinVar variation 3365046 (VCV003365046.1).